The following is an entry in ClinVar:

ClinVar aggregate classification (germline): Uncertain significance (1 of 4 stars; one submission).

Conditions:
Immunodeficiency. Identifiers: MedGen C0021051, MONDO:0021094, HP:0002721.

Submission:

Labcorp Genetics (formerly Invitae), Labcorp
Classification: Uncertain significance for Immunodeficiency. Last evaluated: 2023-09-13. Review status: criteria provided, single submitter. Criteria: Invitae Variant Classification Sherloc (09022015). Collection method: clinical testing. Allele origin: unknown.
Comment: This variant results in a copy number gain of the genomic region encompassing exon(s) 8-15 of the NFAT5 gene. This region includes the termination codon of the gene. This copy number gain extends beyond the assayed region for this gene and therefore may encompass additional genes. As the precise location of this event is unknown, it may be in tandem or it may be located elsewhere in the genome. This variant has not been reported in the literature in individuals affected with NFAT5-related conditions. Experimental studies and prediction algorithms are not available or were not evaluated, and the functional significance of this variant is currently unknown. In summary, the available evidence is currently insufficient to determine the role of this variant in disease. Therefore, it has been classified as a Variant of Uncertain Significance.

NC_000016.9:g.(?_69693610)_(69729274_?)dup

Gene: NFAT5 (nuclear factor of activated T cells 5; plus strand). Cytogenetic location: 16q22.1.
Variant type: Duplication.
Identifiers: ClinVar variation 3243302 (VCV003243302.1).